The following is an entry in ClinVar:

ClinVar aggregate classification (germline): Benign/Likely benign. Review status: criteria provided, multiple submitters, no conflicts (2 of 4 stars). 3 submissions from 3 submitters: Benign (1); Likely benign (1). 1 of the submissions does not count toward it. Last evaluated 2021-08-09.

Conditions:
Factor VII-activating protease marburg I. Identifiers: MedGen CN068943.
HABP2-related disorder. Also called: HABP2-related condition.
Thrombophilia due to thrombin defect (THPH1). Also called: Thrombosis susceptibility; THROMBOPHILIA DUE TO FACTOR 2 DEFECT; Prothrombin-Related Thrombophilia (Factor II); Prothrombin Thrombophilia. Identifiers: MedGen C3160733, MONDO:0008559, OMIM 188050. Disease mechanism: gain of function, loss of function.
Thyroid cancer, nonmedullary, 5 (NMTC5). Identifiers: MedGen C4225292, MONDO:0014682, OMIM 616535.

Allele frequency attached by ClinVar (database versions not stated): 1000 Genomes Project 30x 0.00078; 1000 Genomes Project 0.00080; TOPMed 0.00163; ESP Exome Variant Server 0.00177; gnomAD 0.00179 and 0.00180; gnomAD exomes 0.00242; ExAC 0.00250.
gnomAD v4.1: 4,178 of 1,611,656 alleles (0.26%); highest among the groups gnomAD compares: South Asian, 0.46%; 3 homozygotes.

Submissions (3):

Fulgent Genetics
Classification: Likely benign for Thrombophilia due to thrombin defect; Thyroid cancer, nonmedullary, 5. Last evaluated: 2021-08-09. Review status: criteria provided, single submitter. Criteria: ACMG Guidelines, 2015. Collection method: clinical testing. Allele origin: unknown.

Illumina Laboratory Services, Illumina
Classification: Benign for Factor VII Marburg I Variant Thrombophilia. Last evaluated: 2017-04-27. Review status: criteria provided, single submitter. Criteria: ICSL Variant Classification Criteria 13 December 2019. Collection method: clinical testing. Allele origin: germline.
Comment: This variant was observed as part of a predisposition screen in an ostensibly healthy population. A literature search was performed for the gene, cDNA change, and amino acid change (where applicable). No publications were found based on this search. Allele frequency data from public databases was too high to be consistent with this variant causing disease. Therefore, this variant is classified as benign.

PreventionGenetics, part of Exact Sciences
Classification: Likely benign for HABP2-related condition. Last evaluated: 2022-02-10. Review status: no assertion criteria provided. Collection method: clinical testing. Allele origin: germline. Not counted in ClinVar's aggregate classification.
Comment: This variant is classified as likely benign based on ACMG/AMP sequence variant interpretation guidelines (Richards et al. 2015 PMID: 25741868, with internal and published modifications).

NM_004132.5(HABP2):c.364C>T (p.Arg122Trp)

Gene: HABP2 (hyaluronan binding protein 2; plus strand). Cytogenetic location: 10q25.3.
Variant type: single nucleotide variant.
Coding change: c.364C>T on transcript NM_004132.5 (MANE Select); coding-DNA position 364, C replaced by T.
Protein change: p.Arg122Trp; replaces arginine 122 with tryptophan.
Molecular consequence: missense variant.
Genome position (GRCh38, 1-based): chr10:113,577,182, C>T. VCF-style: chr10-113577182-C-T. GRCh37 (hg19) VCF-style: chr10-115336941-C-T.
Other names: c.286C>T, p.Arg96Trp (NM_001177660.3); short protein forms R96W, R122W.
Identifiers: ClinVar variation 877809 (VCV000877809.7), dbSNP rs78201625, ClinGen allele CA5693591.